The following is an entry in ClinVar:

ClinVar aggregate classification (germline): Uncertain significance. Review status: criteria provided, multiple submitters, no conflicts (2 of 4 stars). 2 submissions from 2 submitters: Uncertain significance (2). Last evaluated 2025-11-10.

Conditions:
Inborn genetic diseases. Identifiers: MedGen C0950123, MeSH D030342.

Allele frequency attached by ClinVar (database versions not stated): gnomAD 0.00001; TOPMed 0.00001.

Submissions (2):

Labcorp Genetics (formerly Invitae), Labcorp
Classification: Uncertain significance. Last evaluated: 2025-11-10. Review status: criteria provided, single submitter. Criteria: Invitae Variant Classification Sherloc (09022015). Collection method: clinical testing. Allele origin: germline.
Comment: This sequence change replaces alanine, which is neutral and non-polar, with serine, which is neutral and polar, at codon 288 of the IHH protein (p.Ala288Ser). This variant is present in population databases (no rsID available, gnomAD no frequency). This variant has not been reported in the literature in individuals affected with IHH-related conditions. ClinVar contains an entry for this variant (Variation ID: 2285822). Invitae Evidence Modeling of protein sequence and biophysical properties (such as structural, functional, and spatial information, amino acid conservation, physicochemical variation, residue mobility, and thermodynamic stability) indicates that this missense variant is not expected to disrupt IHH protein function with a negative predictive value of 80%. In summary, the available evidence is currently insufficient to determine the role of this variant in disease. Therefore, it has been classified as a Variant of Uncertain Significance.

Ambry Genetics
Classification: Uncertain significance for Inborn genetic diseases. Last evaluated: 2022-04-25. Review status: criteria provided, single submitter. Criteria: Ambry Variant Classification Scheme 2023. Collection method: clinical testing. Allele origin: germline.

NM_002181.4(IHH):c.862G>T (p.Ala288Ser)

Gene: IHH (Indian hedgehog signaling molecule; minus strand). Cytogenetic location: 2q35.
Variant type: single nucleotide variant.
Coding change: c.862G>T on transcript NM_002181.4 (MANE Select); coding-DNA position 862, G replaced by T.
Protein change: p.Ala288Ser; replaces alanine 288 with serine.
Molecular consequence: missense variant.
Genome position (GRCh38, 1-based): chr2:219,055,581, C>A on the plus strand (G>T on the coding strand, the complement: IHH is on the minus strand). VCF-style: chr2-219055581-C-A. GRCh37 (hg19) VCF-style: chr2-219920303-C-A.
Other names: short protein forms A288S.
Identifiers: ClinVar variation 2285822 (VCV002285822.3), dbSNP rs1373609433, ClinGen allele CA350631649.